The following is an entry in ClinVar:

ClinVar aggregate classification (germline): Pathogenic (1 of 4 stars; one submission).

Conditions:
Hereditary nonpolyposis colorectal neoplasms. Identifiers: MedGen C0009405, MeSH D003123.

Submission:

Labcorp Genetics (formerly Invitae), Labcorp
Classification: Pathogenic for Hereditary nonpolyposis colorectal neoplasms. Last evaluated: 2019-05-23. Review status: criteria provided, single submitter. Criteria: Invitae Variant Classification Sherloc (09022015). Collection method: clinical testing. Allele origin: germline.
Comment: For these reasons, this variant has been classified as Pathogenic. Sub-genic deletion of 6 has been determined to be pathogenic (PMID: 23709753). Therefore, deletions that fully encompass that region are also expected to be pathogenic. This variant has not been reported in the literature in individuals with PMS2-related conditions. This variant is an in-frame deletion of the genomic region encompassing exons 2-7 of the PMS2 gene. It preserves the integrity of the reading frame.

Literature cited by the submitters: PubMed 23709753.

NC_000007.14:g.(?_5997316)_(6006041_?)del

Gene: PMS2 (PMS1 homolog 2, mismatch repair system component; minus strand). Cytogenetic location: 7p22.1.
Variant type: Deletion.
Identifiers: ClinVar variation 831346 (VCV000831346.7).